The following is an entry in ClinVar:

ClinVar aggregate classification (germline): Uncertain significance (1 of 4 stars; one submission).

Allele frequency attached by ClinVar (database versions not stated): gnomAD exomes below 0.00001.
gnomAD v4.1: 1 of 1,572,856 alleles (0.000064%); highest among the groups gnomAD compares: Non-Finnish European, 0.000088%; no homozygotes.

Submission:

Labcorp Genetics (formerly Invitae), Labcorp
Classification: Uncertain significance. Last evaluated: 2022-07-19. Review status: criteria provided, single submitter. Criteria: Invitae Variant Classification Sherloc (09022015). Collection method: clinical testing. Allele origin: germline.
Comment: In summary, the available evidence is currently insufficient to determine the role of this variant in disease. Therefore, it has been classified as a Variant of Uncertain Significance. Algorithms developed to predict the effect of missense changes on protein structure and function (SIFT, PolyPhen-2, Align-GVGD) all suggest that this variant is likely to be disruptive. ClinVar contains an entry for this variant (Variation ID: 1360851). This variant has not been reported in the literature in individuals affected with KIF11-related conditions. This variant is not present in population databases (gnomAD no frequency). This sequence change replaces valine, which is neutral and non-polar, with isoleucine, which is neutral and non-polar, at codon 93 of the KIF11 protein (p.Val93Ile).

NM_004523.4(KIF11):c.277G>A (p.Val93Ile)

Gene: KIF11 (kinesin family member 11; plus strand). Cytogenetic location: 10q23.33.
Variant type: single nucleotide variant.
Coding change: c.277G>A on transcript NM_004523.4 (MANE Select); coding-DNA position 277, G replaced by A.
Protein change: p.Val93Ile; replaces valine 93 with isoleucine.
Molecular consequence: missense variant.
Genome position (GRCh38, 1-based): chr10:92,606,685, G>A. VCF-style: chr10-92606685-G-A. GRCh37 (hg19) VCF-style: chr10-94366442-G-A.
Other names: short protein forms V93I.
Identifiers: ClinVar variation 1360851 (VCV001360851.8), dbSNP rs2135900791, ClinGen allele CA377588589.
Genomic context (GRCh38, chr10:92,606,685, plus strand): 5'-GGAGCATCTACTAAACAGATTGATGTTTACCGAAGTGTTGTTTGTCCAATTCTGGATGAA[G>A]TTATTATGGGCTATAATTGCACTATCTTTGCGTAAGTAAAAGGGTGTTTTTTCTGATTTA-3'
Protein context (NP_004514.2, residues 83-103): RSVVCPILDE[Val93Ile]IMGYNCTIFA